The following is an entry in ClinVar:

NM_003839.4(TNFRSF11A):c.1801C>G (p.Pro601Ala)

Gene: TNFRSF11A (TNF receptor superfamily member 11a; plus strand). Cytogenetic location: 18q21.33.
Variant type: single nucleotide variant.
Coding change: c.1801C>G on transcript NM_003839.4 (MANE Select); coding-DNA position 1801, C replaced by G.
Protein change: p.Pro601Ala; replaces proline 601 with alanine.
Molecular consequence: missense variant. On other transcripts: 3 prime UTR variant (1).
Genome position (GRCh38, 1-based): chr18:62,384,984, C>G. VCF-style: chr18-62384984-C-G. GRCh37 (hg19) VCF-style: chr18-60052217-C-G.
Other names: c.*225C>G (NM_001270949.2); c.964C>G, p.Pro322Ala (NM_001270950.2); c.850C>G, p.Pro284Ala (NM_001270951.2); c.1759C>G, p.Pro587Ala (NM_001278268.2); short protein forms P284A, P587A, P601A, P322A.
Identifiers: ClinVar variation 4736330 (VCV004736330.1).

ClinVar aggregate classification (germline): Uncertain significance (1 of 4 stars; one submission).

Submission:

Labcorp Genetics (formerly Invitae), Labcorp
Classification: Uncertain significance. Last evaluated: 2026-02-01. Review status: criteria provided, single submitter. Criteria: Invitae Variant Classification Sherloc (09022015). Collection method: clinical testing. Allele origin: germline.
Comment: This sequence change replaces proline, which is neutral and non-polar, with alanine, which is neutral and non-polar, at codon 601 of the TNFRSF11A protein (p.Pro601Ala). This variant is not present in population databases (gnomAD no frequency). This variant has not been reported in the literature in individuals affected with TNFRSF11A-related conditions. An algorithm developed to predict the effect of missense changes on protein structure and function (PolyPhen-2) suggests that this variant is likely to be tolerated. In summary, the available evidence is currently insufficient to determine the role of this variant in disease. Therefore, it has been classified as a Variant of Uncertain Significance.